The following is an entry in ClinVar:

ClinVar aggregate classification (germline): Uncertain significance (1 of 4 stars; one submission).

Conditions:
Arrhythmogenic right ventricular cardiomyopathy (ARVD). Also called: Arrhythmogenic right ventricular dysplasia; Cardiomyopathy, ARVC; Arrhythmogenic cardiomyopathy; Arrhythmogenic Right Ventricular Cardiomyopathy (ARVC). Identifiers: Orphanet 247, MedGen C0349788, MeSH D019571, MONDO:0016587. Disease mechanism: loss of function. Inheritance: Various modes of inheritance.

Allele frequency attached by ClinVar (database versions not stated): gnomAD exomes below 0.00001.
gnomAD v4.1: 1 of 1,614,152 alleles (0.000062%); highest among the groups gnomAD compares: South Asian, 0.0011%; no homozygotes.

Submission:

All of Us Research Program, National Institutes of Health
Classification: Uncertain significance for Arrhythmogenic right ventricular cardiomyopathy. Last evaluated: 2023-11-02. Review status: criteria provided, single submitter. Criteria: ACMG Guidelines, 2015. Collection method: clinical testing. Allele origin: germline. Inheritance: Autosomal dominant inheritance. Observed: 1 variant allele, 1 heterozygote.
Comment: This missense variant replaces lysine with arginine at codon 746 of the PKP2 protein. Computational prediction suggests that this variant may not impact protein structure and function (internally defined REVEL score threshold <= 0.5, PMID: 27666373). To our knowledge, functional studies have not been reported for this variant. This variant has not been reported in individuals affected with PKP2-related disorders in the literature. This variant has not been identified in the general population by the Genome Aggregation Database (gnomAD). The available evidence is insufficient to determine the role of this variant in disease conclusively. Therefore, this variant is classified as a Variant of Uncertain Significance.

This study involves interpretation of variants in research participants for the purpose of population health screening. Participant phenotype was not available at the time of variant classification. Additional details can be found in publication PMID: 35346344, PMCID: PMC8962531

NM_001005242.3(PKP2):c.2105A>G (p.Lys702Arg)

Gene: PKP2 (plakophilin 2; minus strand). Cytogenetic location: 12p11.21.
Variant type: single nucleotide variant.
Coding change: c.2105A>G on transcript NM_001005242.3 (MANE Select); coding-DNA position 2105, A replaced by G.
Protein change: p.Lys702Arg; replaces lysine 702 with arginine.
Molecular consequence: missense variant.
Genome position (GRCh38, 1-based): chr12:32,802,465, T>C on the plus strand (A>G on the coding strand, the complement: PKP2 is on the minus strand). VCF-style: chr12-32802465-T-C. GRCh37 (hg19) VCF-style: chr12-32955399-T-C.
Other names: c.2105A>G, p.Lys702Arg (NM_001407155.1); c.1940A>G, p.Lys647Arg (NM_001407156.1); c.1778A>G, p.Lys593Arg (NM_001407158.1, NM_001407159.1, NM_001407160.1); c.2237A>G, p.Lys746Arg (NM_004572.4); short protein forms K593R, K647R, K702R, K746R.
Identifiers: ClinVar variation 3074360 (VCV003074360.1), dbSNP rs2541200632, ClinGen allele CA384359626.
Genomic context (GRCh38, chr12:32,802,465, plus strand): 5'-ATTTCATTCTGCAGAGAAAGATTCCGGGACAGATTCCTCAGCAGCGAGATGGCTGTCTTT[T>C]TCACACTTGGGTCACCAACATGCAGCATCTTTCGGGTGTGCTGCAGGCCACTTTCCTTCT-3'
Protein context (NP_001005242.2, residues 692-712): KMLHVGDPSV[Lys702Arg]KTAISLLRNL